The following is an entry in ClinVar:

ClinVar aggregate classification (germline): Benign/Likely benign. Review status: criteria provided, multiple submitters, no conflicts (2 of 4 stars). 6 submissions from 6 submitters: Benign (5); Likely benign (1). Last evaluated 2026-02-04.

Conditions:
Fraser syndrome 2 (FRASRS2). Identifiers: MedGen C4540036, MONDO:0054738, OMIM 617666.

Allele frequency attached by ClinVar (database versions not stated): 1000 Genomes Project 30x 0.01702; 1000 Genomes Project 0.01777; TOPMed 0.04055; ESP Exome Variant Server 0.04952.
gnomAD v4.1: 100,237 of 1,613,978 alleles (6.2%); highest among the groups gnomAD compares: Non-Finnish European, 7.5%; 3,672 homozygotes.

Submissions (6):

Labcorp Genetics (formerly Invitae), Labcorp
Classification: Benign. Last evaluated: 2026-02-04. Review status: criteria provided, single submitter. Criteria: Invitae Variant Classification Sherloc (09022015). Collection method: clinical testing. Allele origin: germline.

Blueprint Genetics
Classification: Likely benign. Last evaluated: 2024-11-27. Review status: criteria provided, single submitter. Criteria: ACMG Guidelines, 2015. Collection method: clinical testing. Allele origin: germline.

Mayo Clinic Laboratories, Mayo Clinic
Classification: Benign. Last evaluated: 2022-03-09. Review status: criteria provided, single submitter. Criteria: ACMG Guidelines, 2015. Collection method: clinical testing. Allele origin: germline. Observed: 3 variant alleles.

GeneDx
Classification: Benign. Last evaluated: 2021-06-10. Review status: criteria provided, single submitter. Criteria: GeneDx Variant Classification Process June 2021. Collection method: clinical testing. Allele origin: germline. Affected: yes.

Illumina Laboratory Services, Illumina
Classification: Benign for Fraser syndrome 2. Last evaluated: 2018-01-12. Review status: criteria provided, single submitter. Criteria: ICSL Variant Classification Criteria 13 December 2019. Collection method: clinical testing. Allele origin: germline.
Comment: This variant was observed in the ICSL laboratory as part of a predisposition screen in an ostensibly healthy population. It had not been previously curated by ICSL or reported in the Human Gene Mutation Database (HGMD: prior to June 1st, 2018), and was therefore a candidate for classification through an automated scoring system. Utilizing variant allele frequency, disease prevalence and penetrance estimates, and inheritance mode, an automated score was calculated to assess if this variant is too frequent to cause the disease. Based on the score and internal cut-off values, a variant classified as benign is not then subjected to further curation. The score for this variant resulted in a classification of benign for this disease.

Breakthrough Genomics
Classification: Benign. Review status: criteria provided, single submitter. Criteria: ACMG Guidelines, 2015. Collection method: not provided. Allele origin: germline. Inheritance: Autosomal recessive inheritance. Affected: yes.

NM_207361.6(FREM2):c.9357G>C (p.Thr3119=)

Gene: FREM2 (FRAS1 related extracellular matrix 2; plus strand). Cytogenetic location: 13q13.3.
Variant type: single nucleotide variant.
Coding change: c.9357G>C on transcript NM_207361.6 (MANE Select); coding-DNA position 9357, G replaced by C.
Protein change: p.Thr3119=; no amino-acid change (threonine 3119 retained).
Molecular consequence: synonymous variant.
Genome position (GRCh38, 1-based): chr13:38,880,634, G>C. VCF-style: chr13-38880634-G-C. GRCh37 (hg19) VCF-style: chr13-39454771-G-C.
Other names: p.Thr3119=.
Identifiers: ClinVar variation 312040 (VCV000312040.16), dbSNP rs41306664, ClinGen allele CA6956367.